The following is an entry in ClinVar:

ClinVar aggregate classification (germline): Uncertain significance. Review status: criteria provided, multiple submitters, no conflicts (2 of 4 stars). 5 submissions from 3 submitters: Uncertain significance (4). 1 of the submissions does not count toward it. Last evaluated 2022-08-03.

Conditions:
Tooth agenesis, selective, 4 (STHAG4). Also called: SUCCEDANEOUS TEETH, AGENESIS OF; LATERAL INCISORS, ABSENCE OF; LATERAL INCISORS, PEGGED OR MISSING; TOOTH AGENESIS, SELECTIVE, 4, WITH OR WITHOUT ECTODERMAL DYSPLASIA. Identifiers: Orphanet 99798, MedGen C1835492, MONDO:0007881, OMIM 150400. Disease mechanism: loss of function.
Odonto-onycho-dermal dysplasia. Identifiers: Orphanet 2721, MedGen C0796093, MONDO:0009773, OMIM 257980.
Schöpf-Schulz-Passarge syndrome. Also called: ECCRINE TUMORS WITH ECTODERMAL DYSPLASIA; KERATOSIS PALMOPLANTARIS WITH CYSTIC EYELIDS, HYPODONTIA, AND HYPOTRICHOSIS; SchC6pf-Schulz-Passarge syndrome. Identifiers: Orphanet 50944, MedGen C1857069, MONDO:0009145, OMIM 224750.

Allele frequency attached by ClinVar (database versions not stated): gnomAD exomes below 0.00001; gnomAD 0.00001; 1000 Genomes Project 30x 0.00016; 1000 Genomes Project 0.00020.
gnomAD v4.1: 3 of 1,596,636 alleles (0.00019%); highest among the groups gnomAD compares: East Asian, 0.0022%; no homozygotes.

Submissions (5):

GeneDx
Classification: Uncertain significance. Last evaluated: 2022-08-03. Review status: criteria provided, single submitter. Criteria: GeneDx Variant Classification Process June 2021. Collection method: clinical testing. Allele origin: germline. Affected: yes.
Comment: Not observed at significant frequency in large population cohorts (gnomAD); In silico analysis supports that this missense variant has a deleterious effect on protein structure/function; Has not been previously published as pathogenic or benign to our knowledge

Illumina Laboratory Services, Illumina
Classification: Uncertain significance for Schöpf-Schulz-Passarge syndrome. Last evaluated: 2018-01-12. Review status: criteria provided, single submitter. Criteria: ICSL Variant Classification Criteria 13 December 2019. Collection method: clinical testing. Allele origin: germline.

Illumina Laboratory Services, Illumina
Classification: Uncertain significance for Odonto-onycho-dermal dysplasia. Last evaluated: 2018-01-12. Review status: criteria provided, single submitter. Criteria: ICSL Variant Classification Criteria 13 December 2019. Collection method: clinical testing. Allele origin: germline.

Illumina Laboratory Services, Illumina
Classification: Uncertain significance for Tooth agenesis, selective, 4. Last evaluated: 2018-01-12. Review status: criteria provided, single submitter. Criteria: ICSL Variant Classification Criteria 13 December 2019. Collection method: clinical testing. Allele origin: germline.

Natera, Inc.
Classification: Uncertain significance for Schopf-Schulz-Passarge syndrome. Last evaluated: 2025-04-10. Review status: no assertion criteria provided. Collection method: clinical testing. Allele origin: germline. Not counted in ClinVar's aggregate classification.

NM_025216.3(WNT10A):c.1049C>T (p.Pro350Leu)

Gene: WNT10A (Wnt family member 10A; plus strand). Cytogenetic location: 2q35.
Variant type: single nucleotide variant.
Coding change: c.1049C>T on transcript NM_025216.3 (MANE Select); coding-DNA position 1049, C replaced by T.
Protein change: p.Pro350Leu; replaces proline 350 with leucine.
Molecular consequence: missense variant.
Genome position (GRCh38, 1-based): chr2:218,893,066, C>T. VCF-style: chr2-218893066-C-T. GRCh37 (hg19) VCF-style: chr2-219757788-C-T.
Other names: short protein forms P350L.
Identifiers: ClinVar variation 334412 (VCV000334412.10), dbSNP rs564146190, ClinGen allele CA10612838.
Genomic context (GRCh38, chr2:218,893,066, plus strand): 5'-GGGCCAGCCCCGCCGACCTGGTCTACTTCGAAAAGTCTCCCGACTTCTGCGAGCGCGAGC[C>T]GCGCCTGGACTCGGCGGGCACCGTGGGCCGCCTGTGCAACAAGAGCAGCGCCGGCTCGGA-3'
Protein context (NP_079492.2, residues 340-360): EKSPDFCERE[Pro350Leu]RLDSAGTVGR